The following is an entry in ClinVar:

ClinVar aggregate classification (germline): Uncertain significance. Review status: criteria provided, multiple submitters, no conflicts (2 of 4 stars). 2 submissions from 2 submitters: Uncertain significance (2). Last evaluated 2025-03-27.

Conditions:
Inborn genetic diseases. Identifiers: MedGen C0950123, MeSH D030342.
Joubert syndrome 8 (JBTS8). Identifiers: Orphanet 475, MedGen C2676771, MONDO:0012855, OMIM 612291.

Allele frequency attached by ClinVar (database versions not stated): gnomAD 0.00001 and 0.00002; gnomAD exomes 0.00001 and 0.00003; TOPMed 0.00003; ExAC 0.00004; 1000 Genomes Project 30x 0.00016.
gnomAD v4.1: 16 of 1,612,378 alleles (0.00099%); highest among the groups gnomAD compares: East Asian, 0.033%; no homozygotes.

Submissions (2):

Ambry Genetics
Classification: Uncertain significance for Inborn genetic diseases. Last evaluated: 2025-03-27. Review status: criteria provided, single submitter. Criteria: Ambry Variant Classification Scheme 2023. Collection method: clinical testing. Allele origin: germline.

Labcorp Genetics (formerly Invitae), Labcorp
Classification: Uncertain significance for Joubert syndrome 8. Last evaluated: 2025-01-23. Review status: criteria provided, single submitter. Criteria: Invitae Variant Classification Sherloc (09022015). Collection method: clinical testing. Allele origin: germline.
Comment: This sequence change replaces glutamic acid, which is acidic and polar, with lysine, which is basic and polar, at codon 281 of the ARL13B protein (p.Glu281Lys). This variant is present in population databases (rs745765178, gnomAD 0.05%). This variant has not been reported in the literature in individuals affected with ARL13B-related conditions. ClinVar contains an entry for this variant (Variation ID: 1043169). Invitae Evidence Modeling of protein sequence and biophysical properties (such as structural, functional, and spatial information, amino acid conservation, physicochemical variation, residue mobility, and thermodynamic stability) indicates that this missense variant is not expected to disrupt ARL13B protein function with a negative predictive value of 80%. In summary, the available evidence is currently insufficient to determine the role of this variant in disease. Therefore, it has been classified as a Variant of Uncertain Significance.

NM_001174150.2(ARL13B):c.841G>A (p.Glu281Lys)

Gene: ARL13B (ARF like GTPase 13B; plus strand). Cytogenetic location: 3q11.2.
Variant type: single nucleotide variant.
Coding change: c.841G>A on transcript NM_001174150.2 (MANE Select); coding-DNA position 841, G replaced by A.
Protein change: p.Glu281Lys; replaces glutamic acid 281 with lysine.
Molecular consequence: missense variant. On other transcripts: non-coding transcript variant (2).
Genome position (GRCh38, 1-based): chr3:94,043,057, G>A. VCF-style: chr3-94043057-G-A. GRCh37 (hg19) VCF-style: chr3-93761901-G-A.
Other names: c.841G>A (NM_182896.2); c.532G>A, p.Glu178Lys (NM_001174151.2); c.796G>A, p.Glu266Lys (NM_001321328.2); c.520G>A, p.Glu174Lys (NM_144996.4); c.841G>A, p.Glu281Lys (NM_182896.3); short protein forms E178K, E281K, E266K, E174K.
Identifiers: ClinVar variation 1043169 (VCV001043169.6), dbSNP rs745765178, ClinGen allele CA2504198.